The following is an entry in ClinVar:

NM_015213.4(DENND5A):c.405C>T (p.Leu135=)

Gene: DENND5A (DENN domain containing 5A; minus strand). Cytogenetic location: 11p15.4.
Variant type: single nucleotide variant.
Coding change: c.405C>T on transcript NM_015213.4 (MANE Select); coding-DNA position 405, C replaced by T.
Protein change: p.Leu135=; no amino-acid change (leucine 135 retained).
Molecular consequence: synonymous variant. On other transcripts: non-coding transcript variant (1).
Genome position (GRCh38, 1-based): chr11:9,204,204, G>A on the plus strand (C>T on the coding strand, the complement: DENND5A is on the minus strand). VCF-style: chr11-9204204-G-A. GRCh37 (hg19) VCF-style: chr11-9225751-G-A.
Other names: c.405C>T, p.Leu135= (NM_001243254.2); c.333C>T, p.Leu111= (NM_001348749.2); c.117C>T, p.Leu39= (NM_001348750.2).
Identifiers: ClinVar variation 1544835 (VCV001544835.15), dbSNP rs201847476, ClinGen allele CA5877819.

ClinVar aggregate classification (germline): Benign/Likely benign. Review status: criteria provided, multiple submitters, no conflicts (2 of 4 stars). 2 submissions from 2 submitters: Benign (1); Likely benign (1). Last evaluated 2026-10-01.

Allele frequency attached by ClinVar (database versions not stated): gnomAD 0.00006 and 0.00008; 1000 Genomes Project 30x 0.00016; 1000 Genomes Project 0.00020; TOPMed 0.00037.
gnomAD v4.1: 208 of 1,614,132 alleles (0.013%); highest among the groups gnomAD compares: Admixed American, 0.34%; 1 homozygote.

Submissions (2):

CeGaT Center for Human Genetics Tuebingen
Classification: Likely benign. Last evaluated: 2026-10-01. Review status: criteria provided, single submitter. Criteria: CeGaT Center For Human Genetics Tuebingen Variant Classification Criteria Version 2. Collection method: clinical testing. Allele origin: germline. Affected: yes. Observed: 5 variant alleles.
Comment: DENND5A: BP4, BP7

Labcorp Genetics (formerly Invitae), Labcorp
Classification: Benign. Last evaluated: 2025-12-16. Review status: criteria provided, single submitter. Criteria: Invitae Variant Classification Sherloc (09022015). Collection method: clinical testing. Allele origin: germline.